The following is an entry in ClinVar:

ClinVar aggregate classification (germline): Uncertain significance (1 of 4 stars; one submission).

Conditions:
Sandhoff disease. Also called: GM2-GANGLIOSIDOSIS, TYPE II; HEXOSAMINIDASES A AND B DEFICIENCY; Beta-hexosaminidase-beta-subunit deficiency; GM2 gangliosidosis, type 2; Total hexosaminidase deficiency; Sandhoff-Jatzkewitz-Pilz disease. Identifiers: Orphanet 796, MedGen C0036161, MONDO:0010006, OMIM 268800.

Submission:

3billion
Classification: Uncertain significance for Sandhoff disease. Last evaluated: 2025-06-16. Review status: criteria provided, single submitter. Criteria: ACMG Guidelines, 2015. Collection method: clinical testing. Allele origin: germline. Affected: yes.
Comment: The variant is not observed in the gnomAD v4.1.0 dataset. Predicted Consequence/Location: Intron variant In silico tools predict the variant to alter splicing and produce an abnormal transcript [SpliceAI: 0.78 (>=0.2, moderate evidence for spliceogenicity)]. Therefore, this variant is classified as VUS according to the recommendation of ACMG/AMP guideline.

NM_000521.4(HEXB):c.670-5T>G

Gene: HEXB (hexosaminidase subunit beta; plus strand). Cytogenetic location: 5q13.3.
Variant type: single nucleotide variant.
Coding change: c.670-5T>G on transcript NM_000521.4 (MANE Select); 5 bases into the intron before coding-DNA position 670, T replaced by G.
Molecular consequence: intron variant.
Genome position (GRCh38, 1-based): chr5:74,705,214, T>G. VCF-style: chr5-74705214-T-G. GRCh37 (hg19) VCF-style: chr5-74001039-T-G.
Other names: c.-6-5T>G (NM_001292004.2).
Identifiers: ClinVar variation 4856231 (VCV004856231.1).